The following is an entry in ClinVar:

NM_007294.4(BRCA1):c.134+2T>G

Gene: BRCA1 (BRCA1 DNA repair associated; minus strand). Cytogenetic location: 17q21.31.
Variant type: single nucleotide variant.
Coding change: c.134+2T>G on transcript NM_007294.4 (MANE Select); the canonical splice donor site of the intron after coding-DNA position 134, T replaced by G.
Molecular consequence: splice donor variant. On other transcripts: intron variant (42).
Genome position (GRCh38, 1-based): chr17:43,115,724, A>C on the plus strand (T>G on the coding strand, the complement: BRCA1 is on the minus strand). VCF-style: chr17-43115724-A-C. GRCh37 (hg19) VCF-style: chr17-41267741-A-C.
Other names: IVS3+2T>G; c.-8+2T>G (NM_001408458.1, NM_001408470.1, NM_001407848.1 and 47 more transcripts); c.-219+9553T>G (NM_001407967.1); c.-170+9553T>G (NM_001407959.1); c.-7-9191T>G (NM_001407931.1, NM_001407747.1, NM_001408511.1 and 2 more transcripts); c.-170+2T>G (NM_001407962.1, NM_001408512.1, NM_001408510.1 and 1 more transcripts); c.-55+2T>G (NM_001407885.1, NM_001407886.1, NM_001408509.1 and 52 more transcripts); c.-124+2T>G (NM_001407746.1, NM_001408468.1, NM_001407842.1 and 13 more transcripts); and 11 more.
Identifiers: ClinVar variation 54210 (VCV000054210.8), dbSNP rs80358131, ClinGen allele CA000883.
Genomic context (GRCh38, chr17:43,115,724, plus strand): 5'-CTGGGTTATGAAGGACAAAAACAAAAGCTAATAATGGAGCCACATAACACATTCAAACTT[A>C]CTTGCAAAATATGTGGTCACACTTTGTGGAGACAGGTTCCTTGATCAACTCCAGACTAGC-3'

ClinVar aggregate classification (germline): Pathogenic. Review status: criteria provided, multiple submitters, no conflicts (2 of 4 stars). 4 submissions from 4 submitters: Pathogenic (2). 2 of the submissions do not count toward it. Last evaluated 2015-10-02.

Conditions:
Breast-ovarian cancer, familial, susceptibility to, 1 (BROVCA1). Also called: OVARIAN CANCER, SUSCEPTIBILITY TO; BRCA1 Hereditary Breast and Ovarian Cancer. Identifiers: Orphanet 145, MedGen C2676676, MONDO:0011450, OMIM 604370. Disease mechanism: loss of function.

Submissions (5):

Consortium of Investigators of Modifiers of BRCA1/2 (CIMBA), c/o University of Cambridge
Classification: Pathogenic for Breast-ovarian cancer, familial, susceptibility to, 1. Last evaluated: 2015-10-02. Review status: criteria provided, single submitter. Criteria: CIMBA Mutation Classification guidelines May 2016. Collection method: clinical testing. Allele origin: germline.

Medical Genetics UMG, Mater Domini University Hospital/ Magna Graecia University of Catanzaro
Classification: Pathogenic for Breast-ovarian cancer, familial, susceptibility to, 1. Review status: criteria provided, single submitter. Criteria: ACMG Guidelines, 2015. Collection method: clinical testing. Allele origin: germline. Affected: yes. Observed: 1 heterozygote.

BRCAlab, Lund University
Classification: Likely pathogenic for Breast-ovarian cancer, familial, susceptibility to, 1. Last evaluated: 2020-03-02. Review status: no assertion criteria provided. Collection method: clinical testing. Allele origin: germline. Affected: yes. Not counted in ClinVar's aggregate classification.

Breast Cancer Information Core (BIC) (BRCA1)
Classification: Pathogenic for Breast-ovarian cancer, familial 1. Last evaluated: 2004-02-20. Review status: no assertion criteria provided. Collection method: clinical testing. Allele origin: germline. Affected: yes. Observed: 1 variant allele. Not counted in ClinVar's aggregate classification.

Brotman Baty Institute, University of Washington
No classification provided (evidence only). Condition: Breast-ovarian cancer, familial 1. Review status: no classification provided. Collection method: in vitro. Allele origin: not applicable. Functional consequence: functionally_abnormal. Not counted in ClinVar's aggregate classification.
ClinVar note: "not provided" was previously submitted as the classification for the variant. However, the classification appeared to be based only on an observation of functional data so it was converted to no classification on 2025-07-30.

Literature cited by the submitters: PubMed 35886069 (cited by Medical Genetics UMG, Mater Domini University Hospital/ Magna Graecia University of Catanzaro).